The following is an entry in ClinVar:

NM_000528.4(MAN2B1):c.594C>T (p.Phe198=)

Gene: MAN2B1 (mannosidase alpha class 2B member 1; minus strand). Cytogenetic location: 19p13.13.
Variant type: single nucleotide variant.
Coding change: c.594C>T on transcript NM_000528.4 (MANE Select); coding-DNA position 594, C replaced by T.
Protein change: p.Phe198=; no amino-acid change (phenylalanine 198 retained).
Molecular consequence: synonymous variant.
Genome position (GRCh38, 1-based): chr19:12,664,828, G>A on the plus strand (C>T on the coding strand, the complement: MAN2B1 is on the minus strand). VCF-style: chr19-12664828-G-A. GRCh37 (hg19) VCF-style: chr19-12775642-G-A.
Other names: c.594C>T, p.Phe198= (NM_001173498.2).
Identifiers: ClinVar variation 785786 (VCV000785786.21), dbSNP rs371341958, ClinGen allele CA9226775.

ClinVar aggregate classification (germline): Benign. Review status: criteria provided, multiple submitters, no conflicts (2 of 4 stars). 5 submissions from 5 submitters: Benign (4). 1 of the submissions does not count toward it. Last evaluated 2026-02-01.

Conditions:
Deficiency of alpha-mannosidase (MANSA). Also called: Alpha-Mannosidosis; Mannosidosis, alpha-, types I and II; LYSOSOMAL ALPHA-D-MANNOSIDASE DEFICIENCY. Identifiers: Orphanet 61, MedGen C0024748, MONDO:0009561, OMIM 248500.
MAN2B1-related disorder. Also called: MAN2B1-related condition.

Allele frequency attached by ClinVar (database versions not stated): gnomAD 0.00009 and 0.00055; TOPMed 0.00013; ESP Exome Variant Server 0.00015; gnomAD exomes 0.00092 and 0.00176; ExAC 0.00226; 1000 Genomes Project 0.00319; 1000 Genomes Project 30x 0.00328.
gnomAD v4.1: 1,436 of 1,613,750 alleles (0.089%); highest among the groups gnomAD compares: South Asian, 1.3%; 17 homozygotes.

Submissions (5):

Labcorp Genetics (formerly Invitae), Labcorp
Classification: Benign for Deficiency of alpha-mannosidase. Last evaluated: 2026-02-01. Review status: criteria provided, single submitter. Criteria: Invitae Variant Classification Sherloc (09022015). Collection method: clinical testing. Allele origin: germline.

CeGaT Center for Human Genetics Tuebingen
Classification: Benign. Last evaluated: 2025-10-01. Review status: criteria provided, single submitter. Criteria: CeGaT Center For Human Genetics Tuebingen Variant Classification Criteria Version 2. Collection method: clinical testing. Allele origin: germline. Affected: yes. Observed: 1 variant allele.
Comment: MAN2B1: BP4, BP7, BS1, BS2

PreventionGenetics, part of Exact Sciences
Classification: Benign for MAN2B1-related condition. Last evaluated: 2025-01-23. Review status: criteria provided, single submitter. Criteria: ACMG Guidelines, 2015. Collection method: clinical testing. Allele origin: germline.
Comment: This variant is classified as benign based on ACMG/AMP sequence variant interpretation guidelines (Richards et al. 2015 PMID: 25741868, with internal and published modifications).

Illumina Laboratory Services, Illumina
Classification: Benign for Deficiency of alpha-mannosidase. Last evaluated: 2017-04-28. Review status: criteria provided, single submitter. Criteria: ICSL Variant Classification Criteria 13 December 2019. Collection method: clinical testing. Allele origin: germline.
Comment: This variant was observed as part of a predisposition screen in an ostensibly healthy population. A literature search was performed for the gene, cDNA change, and amino acid change (where applicable). No publications were found based on this search. Allele frequency data from public databases was too high to be consistent with this variant causing disease. Therefore, this variant is classified as benign.

Natera, Inc.
Classification: Benign for Alpha-mannosidosis. Last evaluated: 2020-09-16. Review status: no assertion criteria provided. Collection method: clinical testing. Allele origin: germline. Not counted in ClinVar's aggregate classification.